The following is an entry in ClinVar:

NM_017433.5(MYO3A):c.620A>G (p.Tyr207Cys)

Gene: MYO3A (myosin IIIA; plus strand). Cytogenetic location: 10p12.1.
Variant type: single nucleotide variant.
Coding change: c.620A>G on transcript NM_017433.5 (MANE Select); coding-DNA position 620, A replaced by G.
Protein change: p.Tyr207Cys; replaces tyrosine 207 with cysteine.
Molecular consequence: missense variant.
Genome position (GRCh38, 1-based): chr10:26,021,537, A>G. VCF-style: chr10-26021537-A-G. GRCh37 (hg19) VCF-style: chr10-26310466-A-G.
Other names: c.620A>G, p.Tyr207Cys (NM_001368265.1); short protein forms Y207C.
Identifiers: ClinVar variation 4719523 (VCV004719523.1).

ClinVar aggregate classification (germline): Uncertain significance (1 of 4 stars; one submission).

gnomAD v4.1: 2 of 1,614,154 alleles (0.00012%); highest among the groups gnomAD compares: Non-Finnish European, 0.00017%; no homozygotes.

Submission:

Labcorp Genetics (formerly Invitae), Labcorp
Classification: Uncertain significance. Last evaluated: 2025-05-13. Review status: criteria provided, single submitter. Criteria: Invitae Variant Classification Sherloc (09022015). Collection method: clinical testing. Allele origin: germline.
Comment: This sequence change replaces tyrosine, which is neutral and polar, with cysteine, which is neutral and slightly polar, at codon 207 of the MYO3A protein (p.Tyr207Cys). This variant is not present in population databases (gnomAD no frequency). This variant has not been reported in the literature in individuals affected with MYO3A-related conditions. An algorithm developed to predict the effect of missense changes on protein structure and function (PolyPhen-2) suggests that this variant is likely to be disruptive. In summary, the available evidence is currently insufficient to determine the role of this variant in disease. Therefore, it has been classified as a Variant of Uncertain Significance.